The following is an entry in ClinVar:

GRCh37/hg19 11p15.5(chr11:295227-299340)x3

Genes: IFITM5 (interferon induced transmembrane protein 5; minus strand), PGGHG (protein-glucosylgalactosylhydroxylysine glucosidase; plus strand). Cytogenetic location: 11p15.5.
Variant type: copy number gain.
Change: copy number 3 (three copies instead of two) of chr11:295,227-299,340 (4.1 kb, GRCh37 coordinates, 1-based), cytogenetic band 11p15.5.
Identifiers: ClinVar variation 395112 (VCV000395112.4).

ClinVar aggregate classification (germline): conflicting data from submitters (0 of 4 stars; one submission).

Submission:

ISCA Site 6
Classification: conflicting data from submitters. Review status: no assertion criteria provided. Collection method: clinical testing. Allele origin: unknown. Affected: yes. Observed: 5 variant alleles. Clinical features observed: Developmental delay AND/OR other significant developmental or morphological phenotypes.
Comment: Uncertain significance(2), Likely benign (3)

Copy number variation identified through the course of routine clinical cytogenomic testing in postnatal populations, with clinical assertions as classified by the original submitter. For data from the original published study, Kaminsky, et al. 2011 (PubMed 21844811), please see nstd101.